The following is an entry in ClinVar:

ClinVar aggregate classification (germline): Uncertain significance. Review status: criteria provided, multiple submitters, no conflicts (2 of 4 stars). 2 submissions from 2 submitters: Uncertain significance (2). Last evaluated 2022-09-25.

Conditions:
Hereditary cancer-predisposing syndrome. Also called: Tumor predisposition; Hereditary neoplastic syndrome; Neoplastic Syndromes, Hereditary; Hereditary Cancer Syndrome. Identifiers: Orphanet 140162, MedGen C0027672, MeSH D009386, MONDO:0015356.

Allele frequency attached by ClinVar (database versions not stated): TOPMed below 0.00001; gnomAD exomes 0.00001.
gnomAD v4.1: 19 of 1,612,786 alleles (0.0012%); highest among the groups gnomAD compares: Non-Finnish European, 0.0016%; no homozygotes.

Submissions (2):

Ambry Genetics
Classification: Uncertain significance for Hereditary cancer-predisposing syndrome. Last evaluated: 2022-09-25. Review status: criteria provided, single submitter. Criteria: Ambry Variant Classification Scheme 2023. Collection method: clinical testing. Allele origin: germline.
Comment: The p.R337K variant (also known as c.1010G>A), located in coding exon 7 of the RAD50 gene, results from a G to A substitution at nucleotide position 1010. The arginine at codon 337 is replaced by lysine, an amino acid with highly similar properties. This amino acid position is conserved. In addition, this alteration is predicted to be tolerated by in silico analysis. Since supporting evidence is limited at this time, the clinical significance of this alteration remains unclear.

Labcorp Genetics (formerly Invitae), Labcorp
Classification: Uncertain significance for Hereditary cancer-predisposing syndrome. Last evaluated: 2022-04-05. Review status: criteria provided, single submitter. Criteria: Invitae Variant Classification Sherloc (09022015). Collection method: clinical testing. Allele origin: germline.
Comment: This sequence change replaces arginine, which is basic and polar, with lysine, which is basic and polar, at codon 337 of the RAD50 protein (p.Arg337Lys). In summary, the available evidence is currently insufficient to determine the role of this variant in disease. Therefore, it has been classified as a Variant of Uncertain Significance. Algorithms developed to predict the effect of missense changes on protein structure and function output the following: SIFT: "Tolerated"; PolyPhen-2: "Benign"; Align-GVGD: "Class C0". The lysine amino acid residue is found in multiple mammalian species, which suggests that this missense change does not adversely affect protein function. ClinVar contains an entry for this variant (Variation ID: 952683). This variant has not been reported in the literature in individuals affected with RAD50-related conditions. This variant is not present in population databases (gnomAD no frequency).

NM_005732.4(RAD50):c.1010G>A (p.Arg337Lys)

Gene: RAD50 (RAD50 double strand break repair protein; plus strand). Cytogenetic location: 5q31.1.
Variant type: single nucleotide variant.
Coding change: c.1010G>A on transcript NM_005732.4 (MANE Select); coding-DNA position 1010, G replaced by A.
Protein change: p.Arg337Lys; replaces arginine 337 with lysine.
Molecular consequence: missense variant.
Genome position (GRCh38, 1-based): chr5:132,588,048, G>A. VCF-style: chr5-132588048-G-A. GRCh37 (hg19) VCF-style: chr5-131923740-G-A.
Other names: short protein forms R337K.
Identifiers: ClinVar variation 952683 (VCV000952683.12), dbSNP rs1750627820, ClinGen allele CA360941430.
Genomic context (GRCh38, chr5:132,588,048, plus strand): 5'-AGAAAGAAAGGAAATTGGTAGACTGTCATCGTGAACTGGAAAAACTAAATAAAGAATCTA[G>A]GCTTCTCAATCAGGAAAAATCAGAACTGCTTGTTGAACAGGGTAGGACAAAATGTTTATT-3'
Protein context (NP_005723.2, residues 327-347): RELEKLNKES[Arg337Lys]LLNQEKSELL